The following is an entry in ClinVar:

NM_005378.6(MYCN):c.813A>G (p.Glu271=)

Gene: MYCN (MYCN proto-oncogene, bHLH transcription factor; plus strand). Cytogenetic location: 2p24.3.
Variant type: single nucleotide variant.
Coding change: c.813A>G on transcript NM_005378.6 (MANE Select); coding-DNA position 813, A replaced by G.
Protein change: p.Glu271=; no amino-acid change (glutamic acid 271 retained).
Molecular consequence: synonymous variant. On other transcripts: 3 prime UTR variant (1).
Genome position (GRCh38, 1-based): chr2:15,945,515, A>G. VCF-style: chr2-15945515-A-G. GRCh37 (hg19) VCF-style: chr2-16085637-A-G.
Other names: c.813A>G, p.Glu271= (NM_001293228.2); c.180A>G, p.Glu60= (NM_001293231.2); c.*748A>G (NM_001293233.2).
Identifiers: ClinVar variation 382560 (VCV000382560.1), dbSNP rs1057521388, ClinGen allele CA16604001.
Genomic context (GRCh38, chr2:15,945,515, plus strand): 5'-TGGTTCTCACATGAGAGTAACTAGCATCTTTCTCTCAGATGATGAAGATGATGAAGAGGA[A>G]GATGAAGAGGAAGAAATCGACGTGGTCACTGTGGAGAAGCGGCGTTCCTCCTCCAACACC-3'
Protein context (NP_005369.2, residues 261-281): SDSDDEDDEE[Glu271=]DEEEEIDVVT

ClinVar aggregate classification (germline): Likely benign (1 of 4 stars; one submission).

Allele frequency attached by ClinVar (database versions not stated): gnomAD 0.00003.
gnomAD v4.1: 17 of 1,611,968 alleles (0.0011%); highest among the groups gnomAD compares: Non-Finnish European, 0.0014%; no homozygotes.

Submission:

GeneDx
Classification: Likely benign. Last evaluated: 2016-01-08. Review status: criteria provided, single submitter. Criteria: GeneDx Variant Classification (06012015). Collection method: clinical testing. Allele origin: germline. Affected: yes.
Comment: This variant is considered likely benign or benign based on one or more of the following criteria: it is a conservative change, it occurs at a poorly conserved position in the protein, it is predicted to be benign by multiple in silico algorithms, and/or has population frequency not consistent with disease.